The following is an entry in ClinVar:

ClinVar aggregate classification (germline): Uncertain significance (1 of 4 stars; one submission).

Conditions:
Frasier syndrome. Identifiers: Orphanet 347, MedGen C0950122, MeSH D052159, MONDO:0007635, OMIM 136680.
Wilms tumor 1 (WT1). Also called: Wilms tumor, somatic. Identifiers: Orphanet 654, MedGen CN033288, MONDO:0008679, OMIM 194070.
11p partial monosomy syndrome (WAGR). Also called: CHROMOSOME 11p13 DELETION SYNDROME; WAGR syndrome; WAGR Spectrum Disorder; WAGR Complex. Identifiers: Orphanet 893, MedGen C0206115, MONDO:0008681, OMIM 194072.
Drash syndrome (DDS). Also called: WILMS TUMOR AND PSEUDO- OR TRUE HERMAPHRODITISM; NEPHROPATHY, WILMS TUMOR, AND GENITAL ANOMALIES. Identifiers: Orphanet 220, MedGen C0950121, MONDO:0008682, OMIM 194080.

Submission:

Labcorp Genetics (formerly Invitae), Labcorp
Classification: Uncertain significance for Wilms tumor 1; Drash syndrome; 11p partial monosomy syndrome; Frasier syndrome. Last evaluated: 2022-08-22. Review status: criteria provided, single submitter. Criteria: Invitae Variant Classification Sherloc (09022015). Collection method: clinical testing. Allele origin: germline.
Comment: In summary, the available evidence is currently insufficient to determine the role of this variant in disease. Therefore, it has been classified as a Variant of Uncertain Significance. Algorithms developed to predict the effect of missense changes on protein structure and function are either unavailable or do not agree on the potential impact of this missense change (SIFT: "Deleterious"; PolyPhen-2: "Benign"; Align-GVGD: "Class C65"). This variant has not been reported in the literature in individuals affected with WT1-related conditions. This variant is not present in population databases (gnomAD no frequency). This sequence change replaces serine, which is neutral and polar, with alanine, which is neutral and non-polar, at codon 243 of the WT1 protein (p.Ser243Ala).

NM_024426.6(WT1):c.742T>G (p.Ser248Ala)

Gene: WT1 (WT1 transcription factor; minus strand). Cytogenetic location: 11p13.
Variant type: single nucleotide variant.
Coding change: c.742T>G on transcript NM_024426.6 (MANE Select); coding-DNA position 742, T replaced by G.
Protein change: p.Ser248Ala; replaces serine 248 with alanine.
Molecular consequence: missense variant. On other transcripts: non-coding transcript variant (1).
Genome position (GRCh38, 1-based): chr11:32,428,539, A>C on the plus strand (T>G on the coding strand, the complement: WT1 is on the minus strand). VCF-style: chr11-32428539-A-C. GRCh37 (hg19) VCF-style: chr11-32450085-A-C.
Other names: c.742T>G, p.Ser248Ala (NM_000378.6, NM_001407044.1, NM_001407045.1 and 4 more transcripts); c.91T>G, p.Ser31Ala (NM_001198551.2, NM_001198552.2); c.-21T>G (NM_001407051.1); c.727T>G, p.Ser243Ala (NM_024425.2); short protein forms S243A, S248A, S31A.
Identifiers: ClinVar variation 1908179 (VCV001908179.5), dbSNP rs2494431583, ClinGen allele CA379963342.